The following is an entry in ClinVar:

ClinVar aggregate classification (germline): Uncertain significance (1 of 4 stars; one submission).

Conditions:
Infantile-onset X-linked spinal muscular atrophy. Also called: AMC, DISTAL, X-LINKED; ARTHROGRYPOSIS, X-LINKED, TYPE I; Spinal muscular atrophy, X-linked 2; Spinal Muscular Atrophy, X-Linked Infantile; SPINAL MUSCULAR ATROPHY, X-LINKED LETHAL INFANTILE. Identifiers: Orphanet 1145, MedGen C1844934, MONDO:0010532, OMIM 301830.

Allele frequency attached by ClinVar (database versions not stated): gnomAD exomes below 0.00001; gnomAD 0.00001; ExAC 0.00002.
gnomAD v4.1: 4 of 1,203,627 alleles (0.00033%); highest among the groups gnomAD compares: Admixed American, 0.0022%; no homozygotes.

Submission:

Labcorp Genetics (formerly Invitae), Labcorp
Classification: Uncertain significance for Infantile-onset X-linked spinal muscular atrophy. Last evaluated: 2023-04-08. Review status: criteria provided, single submitter. Criteria: Invitae Variant Classification Sherloc (09022015). Collection method: clinical testing. Allele origin: germline.
Comment: This sequence change replaces arginine, which is basic and polar, with histidine, which is basic and polar, at codon 182 of the UBA1 protein (p.Arg182His). In summary, the available evidence is currently insufficient to determine the role of this variant in disease. Therefore, it has been classified as a Variant of Uncertain Significance. Algorithms developed to predict the effect of missense changes on protein structure and function output the following: SIFT: "Not Available"; PolyPhen-2: "Benign"; Align-GVGD: "Not Available". The histidine amino acid residue is found in multiple mammalian species, which suggests that this missense change does not adversely affect protein function. This variant has not been reported in the literature in individuals affected with UBA1-related conditions. The frequency data for this variant in the population databases is considered unreliable, as metrics indicate poor data quality at this position in the gnomAD database.

NM_003334.4(UBA1):c.545G>A (p.Arg182His)

Gene: UBA1 (ubiquitin like modifier activating enzyme 1; plus strand). Cytogenetic location: Xp11.3.
Variant type: single nucleotide variant.
Coding change: c.545G>A on transcript NM_003334.4 (MANE Select); coding-DNA position 545, G replaced by A.
Protein change: p.Arg182His; replaces arginine 182 with histidine.
Molecular consequence: missense variant.
Genome position (GRCh38, 1-based): chrX:47,200,958, G>A. VCF-style: chrX-47200958-G-A. GRCh37 (hg19) VCF-style: chrX-47060357-G-A.
Other names: c.545G>A, p.Arg182His (NM_153280.3); short protein forms R182H.
Identifiers: ClinVar variation 2968676 (VCV002968676.3), dbSNP rs781913635, ClinGen allele CA10395705.